The following is an entry in ClinVar:

ClinVar aggregate classification (germline): Uncertain significance (1 of 4 stars; one submission).

Conditions:
Cardiomyopathy (CMYO). Also called: Cardiomyopathies. Identifiers: Orphanet 167848, MedGen C0878544, MONDO:0004994, HP:0001638. Inheritance: Various modes of inheritance.

Submission:

Color Diagnostics, LLC DBA Color Health
Classification: Uncertain significance for Cardiomyopathy. Last evaluated: 2025-06-10. Review status: criteria provided, single submitter. Criteria: ACMG Guidelines, 2015. Collection method: clinical testing. Allele origin: germline.
Comment: This variant causes a G>C nucleotide substitution at the -1 position if intron 11 of the MYH7 gene. Splice site prediction tools suggest that this variant may have a significant impact on RNA splicing. Although this prediction has not been confirmed in published RNA studies, this variant is expected to result in an absent or disrupted protein product. This variant has not been reported in individuals affected with MYH7-related disorders in the literature. This variant has not been identified in the general population by the Genome Aggregation Database (gnomAD). Clinical relevance of loss-of-function MYH7 truncation and splice variants in autosomal dominant cardiovascular disorders is not yet clearly established.The available evidence is insufficient to determine the role of this variant in disease conclusively. Therefore, this variant is classified as a Variant of Uncertain Significance.

NM_000257.4(MYH7):c.1000-1G>C

Gene: MYH7 (myosin heavy chain 7; minus strand). Cytogenetic location: 14q11.2.
Variant type: single nucleotide variant.
Coding change: c.1000-1G>C on transcript NM_000257.4 (MANE Select); the canonical splice acceptor site of the intron before coding-DNA position 1000, G replaced by C.
Molecular consequence: splice acceptor variant.
Genome position (GRCh38, 1-based): chr14:23,429,914, C>G on the plus strand (G>C on the coding strand, the complement: MYH7 is on the minus strand). VCF-style: chr14-23429914-C-G. GRCh37 (hg19) VCF-style: chr14-23899123-C-G.
Other names: c.1000-1G>C (NM_001407004.1).
Identifiers: ClinVar variation 4758779 (VCV004758779.1).